The following is an entry in ClinVar:

ClinVar aggregate classification (germline): Uncertain significance. Review status: criteria provided, multiple submitters, no conflicts (2 of 4 stars). 3 submissions from 3 submitters: Uncertain significance (3). Last evaluated 2023-04-11.

Conditions:
Nephrotic syndrome, type 2 (NPHS2). Also called: NEPHROTIC SYNDROME, STEROID-RESISTANT, AUTOSOMAL RECESSIVE. Identifiers: Orphanet 656, MedGen C1868672, MONDO:0010974, OMIM 600995.

Allele frequency attached by ClinVar (database versions not stated): TOPMed below 0.00001.

Submissions (3):

Genome-Nilou Lab
Classification: Uncertain significance for Nephrotic syndrome, type 2. Last evaluated: 2023-04-11. Review status: criteria provided, single submitter. Criteria: ACMG Guidelines, 2015. Collection method: clinical testing. Allele origin: germline. Affected: no.

Labcorp Genetics (formerly Invitae), Labcorp
Classification: Uncertain significance. Last evaluated: 2021-11-18. Review status: criteria provided, single submitter. Criteria: Invitae Variant Classification Sherloc (09022015). Collection method: clinical testing. Allele origin: germline.
Comment: In summary, the available evidence is currently insufficient to determine the role of this variant in disease. Therefore, it has been classified as a Variant of Uncertain Significance. Algorithms developed to predict the effect of missense changes on protein structure and function are either unavailable or do not agree on the potential impact of this missense change (SIFT: "Tolerated"; PolyPhen-2: "Possibly Damaging"; Align-GVGD: "Class C0"). ClinVar contains an entry for this variant (Variation ID: 1303204). This missense change has been observed in individual(s) with clinical features of steroid-resistant nephrotic syndrome (PMID: 14978175, 20798252, 24509478, 30260545). This variant is not present in population databases (gnomAD no frequency). This sequence change replaces glutamine, which is neutral and polar, with arginine, which is basic and polar, at codon 328 of the NPHS2 protein (p.Gln328Arg).

GeneDx
Classification: Uncertain significance. Last evaluated: 2019-01-28. Review status: criteria provided, single submitter. Criteria: GeneDx Variant Classification Process June 2021. Collection method: clinical testing. Allele origin: germline. Affected: yes.
Comment: Reported previously in combination with the R229Q variant in several affected individuals (Buscher et al, 2010; Tory et al., 2014; Miko et al., 2018); Identified in the heterozygous state without a second NPHS2 variant identified in several individuals with steroid resistant nephrotic syndrome (Ruf et al., 2004; Schultheiss et al., 2004; Weber et al., 2016); Not observed in large population cohorts (Lek et al., 2016); In silico analysis, which includes protein predictors and evolutionary conservation, supports that this variant does not alter protein structure/function; This variant is associated with the following publications: (PMID: 29660491, 24509478, 15338398, 26248470, 20798252, 26211502, 14978175, 30260545)

Literature cited by the submitters: PubMed 14978175 (cited by Labcorp Genetics (formerly Invitae), Labcorp); PubMed 20798252 (cited by Labcorp Genetics (formerly Invitae), Labcorp); PubMed 24509478 (cited by Labcorp Genetics (formerly Invitae), Labcorp); PubMed 30260545 (cited by Labcorp Genetics (formerly Invitae), Labcorp).

NM_014625.4(NPHS2):c.983A>G (p.Gln328Arg)

Genes: AXDND1 (axonemal dynein light chain domain containing 1; plus strand), NPHS2 (NPHS2 stomatin family member, podocin; minus strand). Cytogenetic location: 1q25.2.
Variant type: single nucleotide variant.
Coding change: c.983A>G on transcript NM_014625.4 (MANE Select); coding-DNA position 983, A replaced by G.
Protein change: p.Gln328Arg; replaces glutamine 328 with arginine.
Molecular consequence: missense variant. On other transcripts: intron variant (1).
Genome position (GRCh38, 1-based): chr1:179,551,342, T>C on the plus strand (A>G on the coding strand, the complement: NPHS2 is on the minus strand). VCF-style: chr1-179551342-T-C. GRCh37 (hg19) VCF-style: chr1-179520477-T-C.
Other names: c.779A>G, p.Gln260Arg (NM_001297575.2); c.3032-3170T>C (NM_144696.6); short protein forms Q260R, Q328R.
Identifiers: ClinVar variation 1303204 (VCV001303204.8), dbSNP rs1673239865, ClinGen allele CA343565666.